The following is an entry in ClinVar:

ClinVar aggregate classification (germline): Pathogenic. Review status: criteria provided, multiple submitters, no conflicts (2 of 4 stars). 2 submissions from 2 submitters: Pathogenic (2). Last evaluated 2025-09-01.

Conditions:
Alkaptonuria (AKU). Also called: HOMOGENTISIC ACID OXIDASE DEFICIENCY; Alcaptonuria; Homogentisic acidura; Alkaptonuric ochronosis. Identifiers: Orphanet 56, MedGen C0002066, MONDO:0008753, OMIM 203500.

Submissions (2):

Myriad Genetics, Inc.
Classification: Pathogenic for Alkaptonuria. Last evaluated: 2025-09-01. Review status: criteria provided, single submitter. Criteria: Myriad Autosomal Dominant, Autosomal Recessive and X-Linked Classification Criteria (2023). Collection method: clinical testing. Allele origin: unknown.
Comment: NM_000187.3(HGD):c.781delT(S261Pfs*19) is expected to be pathogenic in the context of alkaptonuria. This variant is predicted to lead to an abnormal or absent protein product due to the creation of a premature termination codon in HGD, a gene where loss-of-function variants are known to be pathogenic. Please note: this variant was assessed in the context of healthy population screening.

Labcorp Genetics (formerly Invitae), Labcorp
Classification: Pathogenic for Alkaptonuria. Last evaluated: 2025-07-14. Review status: criteria provided, single submitter. Criteria: Invitae Variant Classification Sherloc (09022015). Collection method: clinical testing. Allele origin: germline.
Comment: This sequence change creates a premature translational stop signal (p.Ser261Profs*19) in the HGD gene. It is expected to result in an absent or disrupted protein product. Loss-of-function variants in HGD are known to be pathogenic (PMID: 12501223, 19862842). This variant is not present in population databases (gnomAD no frequency). This variant has not been reported in the literature in individuals affected with HGD-related conditions. For these reasons, this variant has been classified as Pathogenic.

Literature cited by the submitters: PubMed 12501223 (cited by Labcorp Genetics (formerly Invitae), Labcorp); PubMed 19862842 (cited by Labcorp Genetics (formerly Invitae), Labcorp).

NM_000187.4(HGD):c.781del (p.Ser261fs)

Gene: HGD (homogentisate 1,2-dioxygenase; minus strand). Cytogenetic location: 3q13.33.
Variant type: Deletion.
Coding change: c.781del on transcript NM_000187.4 (MANE Select); coding-DNA position 781, one base deleted (T; older notation c.781delT).
Protein change: p.Ser261fs; shifts the reading frame from serine 261.
Molecular consequence: frameshift variant.
Genome position (GRCh38, 1-based): chr3:120,641,687, A deleted on the plus strand (T on the coding strand, the reverse complement: HGD is on the minus strand). VCF-style (leftmost placement, unchanged base first): chr3-120641686-GA-G. GRCh37 (hg19) VCF-style: chr3-120360533-GA-G.
Other names: short protein forms S261fs.
Identifiers: ClinVar variation 4721578 (VCV004721578.2).